The following is an entry in ClinVar:

ClinVar aggregate classification (germline): Likely benign. Review status: criteria provided, single submitter (1 of 4 stars). 2 submissions from 2 submitters: Likely benign (1). 1 of the submissions does not count toward it. Last evaluated 2025-12-15.

Conditions:
FCSK-related disorder. Also called: FCSK-related condition.

Allele frequency attached by ClinVar (database versions not stated): ESP Exome Variant Server 0.00040; 1000 Genomes Project 30x 0.00047; gnomAD exomes 0.00047; gnomAD 0.00048 and 0.00049; 1000 Genomes Project 0.00060; ExAC 0.00066.
gnomAD v4.1: 1,018 of 1,599,456 alleles (0.064%); highest among the groups gnomAD compares: Admixed American, 0.075%; 1 homozygote.

Submissions (2):

Labcorp Genetics (formerly Invitae), Labcorp
Classification: Likely benign. Last evaluated: 2025-12-15. Review status: criteria provided, single submitter. Criteria: Invitae Variant Classification Sherloc (09022015). Collection method: clinical testing. Allele origin: germline.

PreventionGenetics, part of Exact Sciences
Classification: Likely benign for FCSK-related condition. Last evaluated: 2020-03-30. Review status: no assertion criteria provided. Collection method: clinical testing. Allele origin: germline. Not counted in ClinVar's aggregate classification.
Comment: This variant is classified as likely benign based on ACMG/AMP sequence variant interpretation guidelines (Richards et al. 2015 PMID: 25741868, with internal and published modifications).

NM_145059.3(FCSK):c.1437G>C (p.Leu479=)

Gene: FCSK (fucose kinase; plus strand). Cytogenetic location: 16q22.1.
Variant type: single nucleotide variant.
Coding change: c.1437G>C on transcript NM_145059.3 (MANE Select); coding-DNA position 1437, G replaced by C.
Protein change: p.Leu479=; no amino-acid change (leucine 479 retained).
Molecular consequence: synonymous variant.
Genome position (GRCh38, 1-based): chr16:70,473,013, G>C. VCF-style: chr16-70473013-G-C. GRCh37 (hg19) VCF-style: chr16-70506916-G-C.
Other names: c.1437G>C (NM_145059.2).
Identifiers: ClinVar variation 1682369 (VCV001682369.10), dbSNP rs367854536, ClinGen allele CA8143346.